The following is an entry in ClinVar:

ClinVar aggregate classification (germline): Uncertain significance (1 of 4 stars; one submission).

Conditions:
Hereditary cancer-predisposing syndrome. Also called: Tumor predisposition; Neoplastic Syndromes, Hereditary; Hereditary Cancer Syndrome; Hereditary neoplastic syndrome. Identifiers: Orphanet 140162, MedGen C0027672, MeSH D009386, MONDO:0015356.

Submission:

Ambry Genetics
Classification: Uncertain significance for Hereditary cancer-predisposing syndrome. Last evaluated: 2024-11-11. Review status: criteria provided, single submitter. Criteria: Ambry Variant Classification Scheme 2023. Collection method: clinical testing. Allele origin: germline.
Comment: The p.E188D variant (also known as c.564A>C), located in coding exon 3 of the CHEK2 gene, results from an A to C substitution at nucleotide position 564. The glutamic acid at codon 188 is replaced by aspartic acid, an amino acid with highly similar properties. This amino acid position is conserved. In addition, the in silico prediction for this alteration is inconclusive. Based on the available evidence, the clinical significance of this variant remains unclear.

NM_007194.4(CHEK2):c.564A>C (p.Glu188Asp)

Gene: CHEK2 (checkpoint kinase 2; minus strand). Cytogenetic location: 22q12.1.
Variant type: single nucleotide variant.
Coding change: c.564A>C on transcript NM_007194.4 (MANE Select); coding-DNA position 564, A replaced by C.
Protein change: p.Glu188Asp; replaces glutamic acid 188 with aspartic acid.
Molecular consequence: missense variant. On other transcripts: 5 prime UTR variant (2), intron variant (1).
Genome position (GRCh38, 1-based): chr22:28,725,005, T>G on the plus strand (A>C on the coding strand, the complement: CHEK2 is on the minus strand). VCF-style: chr22-28725005-T-G. GRCh37 (hg19) VCF-style: chr22-29120993-T-G.
Other names: c.693A>C, p.Glu231Asp (NM_001005735.3, NM_001438294.1); c.-214A>C (NM_001257387.3); c.-100A>C (NM_001437942.1); c.657A>C, p.Glu219Asp (NM_001438293.1, NM_001438295.1); c.564A>C, p.Glu188Asp (NM_145862.3); c.445-82A>C (NM_001349956.3); short protein forms E231D, E188D, E219D.
Identifiers: ClinVar variation 3492203 (VCV003492203.1).